The following is an entry in ClinVar:

NM_000388.4(CASR):c.395C>A (p.Ser132Ter)

Gene: CASR (calcium sensing receptor; plus strand). Cytogenetic location: 3q21.1.
Variant type: single nucleotide variant.
Coding change: c.395C>A on transcript NM_000388.4 (MANE Select); coding-DNA position 395, C replaced by A.
Protein change: p.Ser132Ter; replaces serine 132 with a stop codon.
Molecular consequence: nonsense.
Genome position (GRCh38, 1-based): chr3:122,257,290, C>A. VCF-style: chr3-122257290-C-A. GRCh37 (hg19) VCF-style: chr3-121976137-C-A.
Other names: c.395C>A, p.Ser132Ter (NM_001178065.2); short protein forms S132*.
Identifiers: ClinVar variation 3382879 (VCV003382879.2).
Genomic context (GRCh38, chr3:122,257,290, plus strand): 5'-TGAGTTTTGTTGCTCAAAACAAAATTGATTCTTTGAACCTTGATGAGTTCTGCAACTGCT[C>A]AGAGCACATTCCCTCTACGATTGCTGTGGTGGGAGCAACTGGCTCAGGCGTCTCCACGGC-3'

ClinVar aggregate classification (germline): Likely pathogenic (1 of 4 stars; one submission).

Conditions:
Familial hypocalciuric hypercalcemia 1. Also called: Hypercalcemia, familial benign type 1. Identifiers: Orphanet 405, Orphanet 93372, MedGen C0342637, MONDO:0007791, OMIM 145980.
Neonatal severe primary hyperparathyroidism. Identifiers: Orphanet 417, MedGen C1832615, MONDO:0009397, OMIM 239200.
Epilepsy, idiopathic generalized, susceptibility to, 8. Identifiers: MedGen C2752062, MONDO:0013032, OMIM 612899.
Autosomal dominant hypocalcemia 1 (HYPOC1). Also called: HYPOCALCEMIA, FAMILIAL. Identifiers: MedGen C3715128, MONDO:0011013, OMIM 601198.

Submission:

Juno Genomics, Hangzhou Juno Genomics, Inc
Classification: Likely pathogenic for Neonatal severe primary hyperparathyroidism; Autosomal dominant hypocalcemia 1; Familial hypocalciuric hypercalcemia 1; Epilepsy, idiopathic generalized, susceptibility to, 8. Review status: criteria provided, single submitter. Criteria: ACMG Guidelines, 2015. Collection method: clinical testing. Allele origin: germline. Affected: yes.
Comment: Null variant in a gene where loss of function (LOF) is a known mechanism of disease.;Absent from controls (or at extremely low frequency if recessive) in Genome Aggregation Database, Exome Sequencing Project, 1000 Genomes Project, or Exome Aggregation Consortium.